The following is an entry in ClinVar:

ClinVar aggregate classification (germline): Likely benign (0 of 4 stars; one submission).

Conditions:
PLXNA3-related disorder. Also called: PLXNA3-related condition.

Allele frequency attached by ClinVar (database versions not stated): gnomAD exomes 0.00047; ExAC 0.00048; TOPMed 0.00059; gnomAD 0.00065; 1000 Genomes Project 0.00079; 1000 Genomes Project 30x 0.00083; ESP Exome Variant Server 0.00085.

Submission:

PreventionGenetics, part of Exact Sciences
Classification: Likely benign for PLXNA3-related condition. Last evaluated: 2021-10-06. Review status: no assertion criteria provided. Collection method: clinical testing. Allele origin: germline.
Comment: This variant is classified as likely benign based on ACMG/AMP sequence variant interpretation guidelines (Richards et al. 2015 PMID: 25741868, with internal and published modifications).

NM_017514.5(PLXNA3):c.222C>T (p.Asn74=)

Gene: PLXNA3 (plexin A3; plus strand). Cytogenetic location: Xq28.
Variant type: single nucleotide variant.
Coding change: c.222C>T on transcript NM_017514.5 (MANE Select); coding-DNA position 222, C replaced by T.
Protein change: p.Asn74=; no amino-acid change (asparagine 74 retained).
Molecular consequence: synonymous variant.
Genome position (GRCh38, 1-based): chrX:154,460,405, C>T. VCF-style: chrX-154460405-C-T. GRCh37 (hg19) VCF-style: chrX-153688745-C-T.
Identifiers: ClinVar variation 3051522 (VCV003051522.2), dbSNP rs146370191, ClinGen allele CA10563629.